The following is an entry in ClinVar:

NM_182961.4(SYNE1):c.1941dup (p.Arg648fs)

Gene: SYNE1 (spectrin repeat containing nuclear envelope protein 1; minus strand). Cytogenetic location: 6q25.2.
Variant type: Duplication.
Coding change: c.1941dup on transcript NM_182961.4 (MANE Select); coding-DNA position 1941, one base duplicated (T; older notation c.1941dupT).
Protein change: p.Arg648fs; shifts the reading frame from arginine 648.
Molecular consequence: frameshift variant.
Genome position (GRCh38, 1-based): chr6:152,463,509, A duplicated on the plus strand (T on the coding strand, the reverse complement: SYNE1 is on the minus strand); the first of 7 consecutive A bases (chr6:152,463,509-152,463,515); duplicating any one gives the same sequence. VCF-style (leftmost placement, unchanged base first): chr6-152463508-G-GA. GRCh37 (hg19) VCF-style: chr6-152784643-G-GA.
Other names: c.1962dup (NM_033071.3); c.1962dupT (NM_033071.3); c.1962dup, p.Arg655fs (NM_033071.5); short protein forms R648fs, R655fs.
Identifiers: ClinVar variation 994521 (VCV000994521.10), dbSNP rs775516009, ClinGen allele CA4059262.

ClinVar aggregate classification (germline): Pathogenic. Review status: criteria provided, multiple submitters, no conflicts (2 of 4 stars). 6 submissions from 6 submitters: Pathogenic (6). Last evaluated 2026-02-10.

Conditions:
Inborn genetic diseases. Identifiers: MedGen C0950123, MeSH D030342.
Emery-Dreifuss muscular dystrophy 4, autosomal dominant (EDMD4). Also called: EMERY-DREIFUSS MUSCULAR DYSTROPHY 4 WITH VARIABLE FEATURES. Identifiers: Orphanet 261, MedGen C2751807, MONDO:0013071, OMIM 612998.
Autosomal recessive ataxia, Beauce type. Also called: ATAXIA, RECESSIVE, OF BEAUCE; SYNE1 Deficiency; SYNE1-Related Autosomal Recessive Cerebellar Ataxia; Spinocerebellar ataxia, autosomal recessive 8. Identifiers: Orphanet 88644, MedGen C1853116, MONDO:0012549, OMIM 610743.

Submissions (6):

Ambry Genetics
Classification: Pathogenic for Inborn genetic diseases. Last evaluated: 2026-02-10. Review status: criteria provided, single submitter. Criteria: Ambry Variant Classification Scheme 2023. Collection method: clinical testing. Allele origin: germline.
Comment: The c.1962dupT (p.R655Sfs*22) alteration, located in exon 19 (coding exon 18) of the SYNE1 gene, consists of a duplication of T at position 1962, causing a translational frameshift with a predicted alternate stop codon after 22 amino acids. This variant is expected to result in loss of function by premature protein truncation or nonsense-mediated mRNA decay. for autosomal recessive SYNE1-related spinocerebellar ataxia; however, its clinical significance for autosomal recessive SYNE1-related arthrogryposis multiplex congenita is uncertain and it is unlikely to be causative of autosomal dominant SYNE1-related myopathy. Although biallelic loss of function of SYNE1 has been associated with SYNE1-related spinocerebellar ataxia, haploinsufficiency of SYNE1 has not been established as a mechanism of disease for SYNE1-related myopathy. Based on data from gnomAD, the TT allele has an overall frequency of 0.001% (3/249422) total alleles studied. The highest observed frequency was 0.012% (2/16176) of African alleles. This variant has been identified in the homozygous state and/or in conjunction with other SYNE1 variant(s) in individual(s) with features consistent with SYNE1-related spinocerebellar ataxia; in at least one instance, the variants were identified in trans (Guan, 2020; Benkirane, 2021; Wan, 2021; Gorukmez, 2023). Based on the available evidence, this alteration is classified as pathogenic.

GeneDx
Classification: Pathogenic. Last evaluated: 2025-06-23. Review status: criteria provided, single submitter. Criteria: GeneDx Variant Classification Process June 2021. Collection method: clinical testing. Allele origin: germline. Affected: yes.
Comment: Frameshift variant predicted to result in protein truncation or nonsense mediated decay in a gene for which loss of function is a known mechanism of disease; Not observed at significant frequency in large population cohorts (gnomAD); This variant is associated with the following publications: (PMID: 34284285, 34234304, 36964972, 31743419)

Labcorp Genetics (formerly Invitae), Labcorp
Classification: Pathogenic for Emery-Dreifuss muscular dystrophy 4, autosomal dominant; Autosomal recessive ataxia, Beauce type. Last evaluated: 2024-06-29. Review status: criteria provided, single submitter. Criteria: Invitae Variant Classification Sherloc (09022015). Collection method: clinical testing. Allele origin: germline.
Comment: This sequence change creates a premature translational stop signal (p.Arg655Serfs*22) in the SYNE1 gene. It is expected to result in an absent or disrupted protein product. Loss-of-function variants in SYNE1 are known to be pathogenic (PMID: 19542096, 24319099, 27086870). The frequency data for this variant in the population databases is considered unreliable, as metrics indicate poor data quality at this position in the gnomAD database. This premature translational stop signal has been observed in individual(s) with autosomal recessive spinocerebellar ataxia (PMID: 31743419, 34284285). ClinVar contains an entry for this variant (Variation ID: 994521). For these reasons, this variant has been classified as Pathogenic.

Revvity Omics, Revvity
Classification: Pathogenic. Last evaluated: 2022-12-22. Review status: criteria provided, single submitter. Criteria: ACMG Guidelines, 2015. Collection method: clinical testing. Allele origin: germline.

Athena Diagnostics
Classification: Pathogenic. Last evaluated: 2019-09-24. Review status: criteria provided, single submitter. Criteria: Athena Diagnostics Criteria. Collection method: clinical testing. Allele origin: unknown.
Comment: The variant results in a shift of the reading frame, and is therefore predicted to result in the loss of a functional protein. Found in at least one patient with expected phenotype for this gene.

Juno Genomics, Hangzhou Juno Genomics, Inc
Classification: Pathogenic for Autosomal recessive ataxia, Beauce type. Review status: criteria provided, single submitter. Criteria: ACMG Guidelines, 2015. Collection method: clinical testing. Allele origin: germline.
Comment: Absent from controls (or at extremely low frequency if recessive) in Genome Aggregation Database.;Null variant in a gene where loss of function (LOF) is a known mechanism of disease.;For recessive disorders, detected in trans with a pathogenic variant.

Literature cited by the submitters: PubMed 31743419 (cited by Ambry Genetics and Labcorp Genetics (formerly Invitae), Labcorp); PubMed 34234304 (cited by Ambry Genetics); PubMed 34284285 (cited by Ambry Genetics and Labcorp Genetics (formerly Invitae), Labcorp); PubMed 36964972 (cited by Ambry Genetics); PubMed 19542096 (cited by Labcorp Genetics (formerly Invitae), Labcorp); PubMed 24319099 (cited by Labcorp Genetics (formerly Invitae), Labcorp); PubMed 27086870 (cited by Labcorp Genetics (formerly Invitae), Labcorp).